The following is an entry in ClinVar:

ClinVar aggregate classification (germline): Uncertain significance. Review status: criteria provided, multiple submitters, no conflicts (2 of 4 stars). 2 submissions from 2 submitters: Uncertain significance (2). Last evaluated 2024-08-01.

Conditions:
Hereditary cancer-predisposing syndrome. Also called: Hereditary Cancer Syndrome; Neoplastic Syndromes, Hereditary; Tumor predisposition; Hereditary neoplastic syndrome. Identifiers: Orphanet 140162, MedGen C0027672, MeSH D009386, MONDO:0015356.
Familial adenomatous polyposis 2. Also called: Adenomas, multiple colorectal; COLORECTAL ADENOMATOUS POLYPOSIS, AUTOSOMAL RECESSIVE; MYH-associated polyposis; FAP type 2; MUTYH-associated polyposis; MUTYH-related attenuated familial adenomatous polyposis. Identifiers: Orphanet 220460, Orphanet 247798, MedGen C3272841, MONDO:0012041, OMIM 608456.

Allele frequency attached by ClinVar (database versions not stated): TOPMed below 0.00001.

Submissions (2):

Labcorp Genetics (formerly Invitae), Labcorp
Classification: Uncertain significance for Familial adenomatous polyposis 2. Last evaluated: 2024-08-01. Review status: criteria provided, single submitter. Criteria: Invitae Variant Classification Sherloc (09022015). Collection method: clinical testing. Allele origin: germline.
Comment: This sequence change replaces arginine, which is basic and polar, with cysteine, which is neutral and slightly polar, at codon 7 of the MUTYH protein (p.Arg7Cys). This variant is not present in population databases (gnomAD no frequency). This variant has not been reported in the literature in individuals affected with MUTYH-related conditions. ClinVar contains an entry for this variant (Variation ID: 576017). An algorithm developed to predict the effect of missense changes on protein structure and function outputs the following: PolyPhen-2: "Benign". The cysteine amino acid residue is found in multiple mammalian species, which suggests that this missense change does not adversely affect protein function. In summary, the available evidence is currently insufficient to determine the role of this variant in disease. Therefore, it has been classified as a Variant of Uncertain Significance.

Ambry Genetics
Classification: Uncertain significance for Hereditary cancer-predisposing syndrome. Last evaluated: 2024-01-25. Review status: criteria provided, single submitter. Criteria: Ambry Variant Classification Scheme 2023. Collection method: clinical testing. Allele origin: germline.
Comment: The p.R7C variant (also known as c.19C>T), located in coding exon 1 of the MUTYH gene, results from a C to T substitution at nucleotide position 19. The arginine at codon 7 is replaced by cysteine, an amino acid with highly dissimilar properties. This amino acid position is conserved. In addition, this alteration is predicted to be tolerated by in silico analysis. Based on the available evidence, the clinical significance of this alteration remains unclear.

NM_001128425.2(MUTYH):c.19C>T (p.Arg7Cys)

Genes: MUTYH (mutY DNA glycosylase; minus strand), TOE1 (target of EGR1, exonuclease; plus strand). Cytogenetic location: 1p34.1.
Variant type: single nucleotide variant.
Coding change: c.19C>T on transcript NM_001128425.2 (MANE Plus Clinical); coding-DNA position 19, C replaced by T.
Protein change: p.Arg7Cys; replaces arginine 7 with cysteine.
Molecular consequence: missense variant. On other transcripts: 5 prime UTR variant (8), non-coding transcript variant (3).
Genome position (GRCh38, 1-based): chr1:45,340,236, G>A on the plus strand (C>T on the coding strand, the complement: MUTYH is on the minus strand). VCF-style: chr1-45340236-G-A. GRCh37 (hg19) VCF-style: chr1-45805908-G-A.
Other names: c.-17G>A (NM_025077.4); c.-24C>T (NM_001048171.2); c.19C>T, p.Arg7Cys (NM_001293190.2, NM_001407069.1, NM_001407073.1 and 1 more transcripts); c.-236C>T (NM_001293192.2); c.-295C>T (NM_001350650.2); c.-231C>T (NM_001350651.2); c.-40C>T (NM_001407070.1, NM_001407071.1); c.-20C>T (NM_001407072.1); short protein forms R7C.
Identifiers: ClinVar variation 576017 (VCV000576017.8), dbSNP rs1382218222, ClinGen allele CA340137878.